The following is an entry in ClinVar:

ClinVar aggregate classification (germline): Uncertain significance (1 of 4 stars; one submission).

Submission:

Labcorp Genetics (formerly Invitae), Labcorp
Classification: Uncertain significance. Last evaluated: 2020-12-29. Review status: criteria provided, single submitter. Criteria: Invitae Variant Classification Sherloc (09022015). Collection method: clinical testing. Allele origin: germline.
Comment: This variant, c.291_293dup, results in the insertion of 1 amino acid(s) to the PHF21A protein (p.Gln100dup), but otherwise preserves the integrity of the reading frame. This variant is present in population databases (rs781557312, ExAC 0.01%). This variant has not been reported in the literature in individuals with PHF21A-related conditions. Experimental studies and prediction algorithms are not available or were not evaluated, and the functional significance of this variant is currently unknown. In summary, the available evidence is currently insufficient to determine the role of this variant in disease. Therefore, it has been classified as a Variant of Uncertain Significance.

NM_001352027.3(PHF21A):c.285ACA[4] (p.Gln100dup)

Gene: PHF21A (PHD finger protein 21A; minus strand). Cytogenetic location: 11p11.2.
Variant type: Microsatellite.
Coding change: c.285ACA[4] on transcript NM_001352027.3 (MANE Select); four copies in a row of the 3-base unit ACA starting at c.285; the reference has three copies in a row; one copy, 3 bases duplicated.
Protein change: p.Gln100dup; duplicates glutamine 100.
Molecular consequence: inframe insertion. On other transcripts: non-coding transcript variant (2).
Genome position (GRCh38, 1-based): chr11:45,979,827-45,979,829, TGT duplicated on the plus strand (ACA on the coding strand, the reverse complement: PHF21A is on the minus strand); duplicating any 3 consecutive bases within chr11:45,979,827-45,979,835 gives the same sequence; the position shown is the placement nearest the transcript's 3' end. VCF-style (leftmost placement, unchanged base first): chr11-45979826-C-CTGT. GRCh37 (hg19) VCF-style: chr11-46001377-C-CTGT.
Other names: c.285ACA[4], p.Gln100dup (NM_001101802.3, NM_001352025.3, NM_001352026.3 and 6 more transcripts).
Identifiers: ClinVar variation 1376434 (VCV001376434.8), dbSNP rs750610677, ClinGen allele CA5961381.
Genomic context (GRCh38, chr11:45,979,826, plus strand): 5'-AGCAGTCAGGTTGGGAGAGGCTGCAGCTGACTGCTGGGCGTGGTGGTGGTGGTACTGCTG[C>CTGT]TGTTGTTGTAGTTGCTGTAGTGGTTGCTGCTGTGCTGTTTGTAGTTTGTTTTCAGATTGT-3'